The following is an entry in ClinVar:

ClinVar aggregate classification (germline): Pathogenic (1 of 4 stars; one submission).

Conditions:
Juvenile polyposis syndrome (JPS). Identifiers: Orphanet 2929, MedGen C0345893, MONDO:0017380, OMIM 174900.

Submission:

Labcorp Genetics (formerly Invitae), Labcorp
Classification: Pathogenic for Juvenile polyposis syndrome. Last evaluated: 2023-05-21. Review status: criteria provided, single submitter. Criteria: Invitae Variant Classification Sherloc (09022015). Collection method: clinical testing. Allele origin: germline.
Comment: This sequence change creates a premature translational stop signal (p.Gln75Argfs*19) in the SMAD4 gene. It is expected to result in an absent or disrupted protein product. Loss-of-function variants in SMAD4 are known to be pathogenic (PMID: 16152648, 16436638, 22810475). This variant is not present in population databases (gnomAD no frequency). This variant has not been reported in the literature in individuals affected with SMAD4-related conditions. ClinVar contains an entry for this variant (Variation ID: 1074875). For these reasons, this variant has been classified as Pathogenic.

Literature cited by the submitters: PubMed 16152648; PubMed 16436638; PubMed 22810475.

NM_005359.6(SMAD4):c.223del (p.Gln75fs)

Gene: SMAD4 (SMAD family member 4; plus strand). Cytogenetic location: 18q21.2.
Variant type: Deletion.
Coding change: c.223del on transcript NM_005359.6 (MANE Select); coding-DNA position 223, one base deleted (C; older notation c.223delC).
Protein change: p.Gln75fs; shifts the reading frame from glutamine 75.
Molecular consequence: frameshift variant.
Genome position (GRCh38, 1-based): chr18:51,047,269, C deleted. VCF-style (leftmost placement, unchanged base first): chr18-51047268-AC-A. GRCh37 (hg19) VCF-style: chr18-48573638-AC-A.
Other names: short protein forms Q75fs.
Identifiers: ClinVar variation 1074875 (VCV001074875.7), dbSNP rs2144401809, ClinGen allele CA2499225198.